The following is an entry in ClinVar:

ClinVar aggregate classification (germline): Uncertain significance (1 of 4 stars; one submission).

Conditions:
NPC1-related disorder. Also called: NPC1-related condition.

Submission:

PreventionGenetics, part of Exact Sciences
Classification: Uncertain significance for NPC1-related condition. Last evaluated: 2025-06-25. Review status: criteria provided, single submitter. Criteria: ACMG Guidelines, 2015. Collection method: clinical testing. Allele origin: germline.
Comment: The NPC1 c.2506C>A variant is predicted to result in the amino acid substitution p.Pro836Thr. To our knowledge, this variant has not been reported in the literature or in a large population database (gnomAD), indicating this variant is rare. At this time, the clinical significance of this variant is uncertain due to the absence of conclusive functional and genetic evidence.

NM_000271.5(NPC1):c.2506C>A (p.Pro836Thr)

Gene: NPC1 (NPC intracellular cholesterol transporter 1; minus strand). Cytogenetic location: 18q11.2.
Variant type: single nucleotide variant.
Coding change: c.2506C>A on transcript NM_000271.5 (MANE Select); coding-DNA position 2506, C replaced by A.
Protein change: p.Pro836Thr; replaces proline 836 with threonine.
Molecular consequence: missense variant.
Genome position (GRCh38, 1-based): chr18:23,541,076, G>T on the plus strand (C>A on the coding strand, the complement: NPC1 is on the minus strand). VCF-style: chr18-23541076-G-T. GRCh37 (hg19) VCF-style: chr18-21121040-G-T.
Other names: short protein forms P836T.
Identifiers: ClinVar variation 5000705 (VCV005000705.1).